The following is an entry in ClinVar:

ClinVar aggregate classification (germline): Uncertain significance (1 of 4 stars; one submission).

Conditions:
Microphthalmia, isolated, with coloboma 6 (MCOPCB6). Also called: Microphthalmia with coloboma 6, digenic; Microphthalmia with coloboma 6; MICROPHTHALMIA/COLOBOMA 6. Identifiers: Orphanet 98938, MedGen C3150968, MONDO:0013376, OMIM 613703.
Isolated microphthalmia 4. Identifiers: Orphanet 2542, MedGen C2751307, MONDO:0013130, OMIM 613094.
Leber congenital amaurosis 17 (LCA17). Identifiers: Orphanet 65, MedGen C3715164, MONDO:0014145, OMIM 615360.
Klippel-Feil syndrome 1, autosomal dominant (KFS1). Also called: CERVICAL VERTEBRAL FUSION, AUTOSOMAL DOMINANT. Identifiers: Orphanet 2345, MedGen C1861689, MONDO:0007306, OMIM 118100.

Submission:

Labcorp Genetics (formerly Invitae), Labcorp
Classification: Uncertain significance for Isolated microphthalmia 4; Leber congenital amaurosis 17; Klippel-Feil syndrome 1, autosomal dominant; Microphthalmia, isolated, with coloboma 6. Last evaluated: 2022-10-04. Review status: criteria provided, single submitter. Criteria: Invitae Variant Classification Sherloc (09022015). Collection method: clinical testing. Allele origin: germline.
Comment: In summary, the available evidence is currently insufficient to determine the role of this variant in disease. Therefore, it has been classified as a Variant of Uncertain Significance. Advanced modeling of protein sequence and biophysical properties (such as structural, functional, and spatial information, amino acid conservation, physicochemical variation, residue mobility, and thermodynamic stability) performed at Invitae indicates that this missense variant is not expected to disrupt GDF6 protein function. ClinVar contains an entry for this variant (Variation ID: 1461462). This variant has not been reported in the literature in individuals affected with GDF6-related conditions. This variant is not present in population databases (gnomAD no frequency). This sequence change replaces leucine, which is neutral and non-polar, with proline, which is neutral and non-polar, at codon 138 of the GDF6 protein (p.Leu138Pro).

NM_001001557.4(GDF6):c.413T>C (p.Leu138Pro)

Gene: GDF6 (growth differentiation factor 6; minus strand). Cytogenetic location: 8q22.1.
Variant type: single nucleotide variant.
Coding change: c.413T>C on transcript NM_001001557.4 (MANE Select); coding-DNA position 413, T replaced by C.
Protein change: p.Leu138Pro; replaces leucine 138 with proline.
Molecular consequence: missense variant.
Genome position (GRCh38, 1-based): chr8:96,145,518, A>G on the plus strand (T>C on the coding strand, the complement: GDF6 is on the minus strand). VCF-style: chr8-96145518-A-G. GRCh37 (hg19) VCF-style: chr8-97157746-A-G.
Other names: short protein forms L138P.
Identifiers: ClinVar variation 1461462 (VCV001461462.8), dbSNP rs2130208544, ClinGen allele CA371752996.